The following is an entry in ClinVar:

NM_181523.3(PIK3R1):c.917-93C>T

Gene: PIK3R1 (phosphoinositide-3-kinase regulatory subunit 1; plus strand). Cytogenetic location: 5q13.1.
Variant type: single nucleotide variant.
Coding change: c.917-93C>T on transcript NM_181523.3 (MANE Select); 93 bases into the intron before coding-DNA position 917, C replaced by T.
Molecular consequence: intron variant.
Genome position (GRCh38, 1-based): chr5:68,292,166, C>T. VCF-style: chr5-68292166-C-T. GRCh37 (hg19) VCF-style: chr5-67587994-C-T.
Other names: c.17-93C>T (NM_181524.2); c.107-93C>T (NM_181504.4).
Identifiers: ClinVar variation 1233126 (VCV001233126.6), dbSNP rs3730087, ClinGen allele CA12169775.

ClinVar aggregate classification (germline): Benign. Review status: criteria provided, multiple submitters, no conflicts (2 of 4 stars). 3 submissions from 3 submitters: Benign (3). Last evaluated 2023-11-14.

Allele frequency attached by ClinVar (database versions not stated): gnomAD exomes 0.51553; gnomAD 0.63604 and 0.64474; 1000 Genomes Project 0.64437; 1000 Genomes Project 30x 0.65412; TOPMed 0.65574.
gnomAD v4.1: 384,180 of 708,094 alleles (54%); highest among the groups gnomAD compares: African/African-American, 90%; 109,053 homozygotes.

Submissions (3):

Unidad de Genómica Garrahan, Hospital de Pediatría Garrahan
Classification: Benign. Last evaluated: 2023-11-14. Review status: criteria provided, single submitter. Criteria: ACMG Guidelines, 2015. Collection method: clinical testing. Allele origin: germline. Affected: no. Observed: 67 variant alleles.
Comment: This variant is classified as Benign based on local population frequency. This variant was detected in 70% of patients studied by a panel of primary immunodeficiencies. Number of patients: 67. Only high quality variants are reported.

GeneDx
Classification: Benign. Last evaluated: 2018-06-26. Review status: criteria provided, single submitter. Criteria: GeneDx Variant Classification Process June 2021. Collection method: clinical testing. Allele origin: germline. Affected: yes.

Breakthrough Genomics
Classification: Benign. Review status: criteria provided, single submitter. Criteria: ACMG Guidelines, 2015. Collection method: not provided. Allele origin: germline. Inheritance: Autosomal recessive inheritance. Affected: yes.